The following is an entry in ClinVar:

NM_000553.6(WRN):c.224A>T (p.Asp75Val)

Gene: WRN (WRN RecQ like helicase; plus strand). Cytogenetic location: 8p12.
Variant type: single nucleotide variant.
Coding change: c.224A>T on transcript NM_000553.6 (MANE Select); coding-DNA position 224, A replaced by T.
Protein change: p.Asp75Val; replaces aspartic acid 75 with valine.
Molecular consequence: missense variant.
Genome position (GRCh38, 1-based): chr8:31,064,303, A>T. VCF-style: chr8-31064303-A-T. GRCh37 (hg19) VCF-style: chr8-30921819-A-T.
Other names: short protein forms D75V.
Identifiers: ClinVar variation 2154410 (VCV002154410.4), dbSNP rs1812609992, ClinGen allele CA370913845.

ClinVar aggregate classification (germline): Uncertain significance (1 of 4 stars; one submission).

Conditions:
Werner syndrome (WRN). Identifiers: Orphanet 902, MedGen C0043119, MONDO:0010196, OMIM 277700.

Allele frequency attached by ClinVar (database versions not stated): gnomAD exomes below 0.00001.
gnomAD v4.1: 1 of 1,614,070 alleles (0.000062%); highest among the groups gnomAD compares: Non-Finnish European, 0.000085%; no homozygotes.

Submission:

Labcorp Genetics (formerly Invitae), Labcorp
Classification: Uncertain significance for Werner syndrome. Last evaluated: 2022-04-28. Review status: criteria provided, single submitter. Criteria: Invitae Variant Classification Sherloc (09022015). Collection method: clinical testing. Allele origin: germline.
Comment: This variant is not present in population databases (gnomAD no frequency). This sequence change replaces aspartic acid, which is acidic and polar, with valine, which is neutral and non-polar, at codon 75 of the WRN protein (p.Asp75Val). This variant has not been reported in the literature in individuals affected with WRN-related conditions. In summary, the available evidence is currently insufficient to determine the role of this variant in disease. Therefore, it has been classified as a Variant of Uncertain Significance. Algorithms developed to predict the effect of sequence changes on RNA splicing suggest that this variant may disrupt the consensus splice site. Algorithms developed to predict the effect of missense changes on protein structure and function are either unavailable or do not agree on the potential impact of this missense change (SIFT: "Not Available"; PolyPhen-2: "Benign"; Align-GVGD: "Not Available").